The following is an entry in ClinVar:

NM_001371596.2(MFSD8):c.32A>G (p.Glu11Gly)

Gene: MFSD8 (major facilitator superfamily domain containing 8; minus strand). Cytogenetic location: 4q28.2.
Variant type: single nucleotide variant.
Coding change: c.32A>G on transcript NM_001371596.2 (MANE Select); coding-DNA position 32, A replaced by G.
Protein change: p.Glu11Gly; replaces glutamic acid 11 with glycine.
Molecular consequence: missense variant. On other transcripts: 5 prime UTR variant (1), intron variant (2).
Genome position (GRCh38, 1-based): chr4:127,965,102, T>C on the plus strand (A>G on the coding strand, the complement: MFSD8 is on the minus strand). VCF-style: chr4-127965102-T-C. GRCh37 (hg19) VCF-style: chr4-128886257-T-C.
Other names: c.32A>G, p.Glu11Gly (NM_001363520.3, NM_001363521.3, NM_001371591.2 and 5 more transcripts); c.-102A>G (NM_001371595.1); c.-74+795A>G (NM_001410765.1, NM_001371590.2); short protein forms E11G.
Identifiers: ClinVar variation 647319 (VCV000647319.7), dbSNP rs1485138561, ClinGen allele CA358165853.

ClinVar aggregate classification (germline): Uncertain significance (1 of 4 stars; one submission).

Conditions:
Neuronal ceroid lipofuscinosis 7 (CLN7). Also called: MFSD8-Related Neuronal Ceroid-Lipofuscinosis. Identifiers: Orphanet 168491, Orphanet 228366, MedGen C1838571, MONDO:0012588, OMIM 610951.

Allele frequency attached by ClinVar (database versions not stated): gnomAD exomes below 0.00001; TOPMed below 0.00001.
gnomAD v4.1: 2 of 1,613,918 alleles (0.00012%); highest among the groups gnomAD compares: Non-Finnish European, 0.00017%; no homozygotes.

Submission:

Labcorp Genetics (formerly Invitae), Labcorp
Classification: Uncertain significance for Neuronal ceroid lipofuscinosis 7. Last evaluated: 2021-09-01. Review status: criteria provided, single submitter. Criteria: Invitae Variant Classification Sherloc (09022015). Collection method: clinical testing. Allele origin: germline.
Comment: This sequence change replaces glutamic acid with glycine at codon 11 of the MFSD8 protein (p.Glu11Gly). The glutamic acid residue is moderately conserved and there is a moderate physicochemical difference between glutamic acid and glycine. This variant is not present in population databases (ExAC no frequency). This variant has not been reported in the literature in individuals affected with MFSD8-related conditions. Algorithms developed to predict the effect of missense changes on protein structure and function (SIFT, PolyPhen-2, Align-GVGD) all suggest that this variant is likely to be tolerated. In summary, the available evidence is currently insufficient to determine the role of this variant in disease. Therefore, it has been classified as a Variant of Uncertain Significance.